The following is an entry in ClinVar:

ClinVar aggregate classification (germline): Uncertain significance (1 of 4 stars; one submission).

Submission:

Labcorp Genetics (formerly Invitae), Labcorp
Classification: Uncertain significance. Last evaluated: 2022-07-30. Review status: criteria provided, single submitter. Criteria: Invitae Variant Classification Sherloc (09022015). Collection method: clinical testing. Allele origin: germline.
Comment: This variant is not present in population databases (gnomAD no frequency). In summary, the available evidence is currently insufficient to determine the role of this variant in disease. Therefore, it has been classified as a Variant of Uncertain Significance. Variants that disrupt the consensus splice site are a relatively common cause of aberrant splicing (PMID: 17576681, 9536098). Algorithms developed to predict the effect of sequence changes on RNA splicing suggest that this variant is not likely to affect RNA splicing. This variant has not been reported in the literature in individuals affected with DMXL2-related conditions. This sequence change falls in intron 35 of the DMXL2 gene. It does not directly change the encoded amino acid sequence of the DMXL2 protein. It affects a nucleotide within the consensus splice site.

Literature cited by the submitters: PubMed 17576681; PubMed 9536098.

NM_001378457.1(DMXL2):c.8198+5G>A

Gene: DMXL2 (Dmx like 2; minus strand). Cytogenetic location: 15q21.2.
Variant type: single nucleotide variant.
Coding change: c.8198+5G>A on transcript NM_001378457.1 (MANE Select); 5 bases into the intron after coding-DNA position 8198, G replaced by A.
Molecular consequence: intron variant.
Genome position (GRCh38, 1-based): chr15:51,458,501, C>T on the plus strand (G>A on the coding strand, the complement: DMXL2 is on the minus strand). VCF-style: chr15-51458501-C-T. GRCh37 (hg19) VCF-style: chr15-51750698-C-T.
Other names: c.6113+5G>A (NM_001378460.1); c.6224+5G>A (NM_001174117.3); c.8132+5G>A (NM_015263.5); c.8195+5G>A (NM_001378458.1); c.7910+5G>A (NM_001378459.1); c.8135+5G>A (NM_001174116.3).
Identifiers: ClinVar variation 2020684 (VCV002020684.4), dbSNP rs2543003731, ClinGen allele CA2580089768.
Genomic context (GRCh38, chr15:51,458,501, plus strand): 5'-GTGCATAACCATTTGGTGGGTACTTCTTACAGAAAACTATATGTAAAAGTGACTATGAGA[C>T]AAACCTTTTGGATTCTCTGTCATATTCTTCTCCGATCCATATGTATGACTGACAGGCCAG-3'